The following is an entry in ClinVar:

ClinVar aggregate classification (germline): Uncertain significance. Review status: criteria provided, multiple submitters, no conflicts (2 of 4 stars). 2 submissions from 2 submitters: Uncertain significance (2). Last evaluated 2023-04-23.

Conditions:
Familial thoracic aortic aneurysm and aortic dissection (TAAD). Also called: Thoracic aortic aneurysms and dissections. Identifiers: Orphanet 91387, MedGen C4707243, MONDO:0019625.
Marfan syndrome (MFS). Also called: Marfan syndrome type 1; Marfan syndrome, classic; Marfan's syndrome; FBN1-Related Marfan Syndrome; MARFAN SYNDROME, TYPE I. Identifiers: Orphanet 284963, Orphanet 558, MedGen C0024796, MONDO:0007947, OMIM 154700.

Submissions (2):

Labcorp Genetics (formerly Invitae), Labcorp
Classification: Uncertain significance for Marfan syndrome; Familial thoracic aortic aneurysm and aortic dissection. Last evaluated: 2023-04-23. Review status: criteria provided, single submitter. Criteria: Invitae Variant Classification Sherloc (09022015). Collection method: clinical testing. Allele origin: germline.
Comment: ClinVar contains an entry for this variant (Variation ID: 519736). In summary, the available evidence is currently insufficient to determine the role of this variant in disease. Therefore, it has been classified as a Variant of Uncertain Significance. Advanced modeling of protein sequence and biophysical properties (such as structural, functional, and spatial information, amino acid conservation, physicochemical variation, residue mobility, and thermodynamic stability) performed at Invitae indicates that this missense variant is expected to disrupt FBN1 protein function. This variant has not been reported in the literature in individuals affected with FBN1-related conditions. This variant is not present in population databases (gnomAD no frequency). This sequence change replaces tyrosine, which is neutral and polar, with serine, which is neutral and polar, at codon 2062 of the FBN1 protein (p.Tyr2062Ser).

Ambry Genetics
Classification: Uncertain significance for Familial thoracic aortic aneurysm and aortic dissection. Last evaluated: 2016-09-12. Review status: criteria provided, single submitter. Criteria: Ambry Variant Classification Scheme 2023. Collection method: clinical testing. Allele origin: germline.
Comment: The p.Y2062S variant (also known as c.6185A>C), located in coding exon 50 of the FBN1 gene, results from an A to C substitution at nucleotide position 6185. The tyrosine at codon 2062 is replaced by serine, an amino acid with dissimilar properties. This variant was not reported in population based cohorts in the following databases: Database of Single Nucleotide Polymorphisms (dbSNP), NHLBI Exome Sequencing Project (ESP), and 1000 Genomes Project. In the ESP, this variant was not observed in 6494 samples (12988 alleles) with coverage at this position. This amino acid position is not well conserved in available vertebrate species. In addition, the in silico prediction for this alteration is inconclusive. Since supporting evidence is limited at this time, the clinical significance of this alteration remains unclear.

NM_000138.5(FBN1):c.6185A>C (p.Tyr2062Ser)

Gene: FBN1 (fibrillin 1; minus strand). Cytogenetic location: 15q21.1.
Variant type: single nucleotide variant.
Coding change: c.6185A>C on transcript NM_000138.5 (MANE Select); coding-DNA position 6185, A replaced by C.
Protein change: p.Tyr2062Ser; replaces tyrosine 2062 with serine.
Molecular consequence: missense variant.
Genome position (GRCh38, 1-based): chr15:48,437,896, T>G on the plus strand (A>C on the coding strand, the complement: FBN1 is on the minus strand). VCF-style: chr15-48437896-T-G. GRCh37 (hg19) VCF-style: chr15-48730093-T-G.
Other names: short protein forms Y2062S.
Identifiers: ClinVar variation 519736 (VCV000519736.8), dbSNP rs1555395266, ClinGen allele CA392337257.